The following is an entry in ClinVar:

ClinVar aggregate classification (germline): Likely pathogenic. Review status: criteria provided, single submitter (1 of 4 stars). 2 submissions from 2 submitters: Likely pathogenic (1). 1 of the submissions does not count toward it. Last evaluated 2025-12-04.

Conditions:
Phenylketonuria (PKU). Also called: Phenylketonuria (PKU); FOLLING DISEASE; OLIGOPHRENIA PHENYLPYRUVICA; Phenylketonurias. Identifiers: Orphanet 716, MedGen C0031485, MONDO:0009861, OMIM 261600. Disease mechanism: loss of function.

Allele frequency attached by ClinVar (database versions not stated): gnomAD exomes below 0.00001.
gnomAD v4.1: 2 of 1,614,122 alleles (0.00012%); highest among the groups gnomAD compares: East Asian, 0.0022%; no homozygotes.

Submissions (2):

Women's Health and Genetics/Laboratory Corporation of America, LabCorp
Classification: Likely pathogenic for Phenylketonuria. Last evaluated: 2025-12-04. Review status: criteria provided, single submitter. Criteria: LabCorp Variant Classification Summary - May 2015. Collection method: clinical testing. Allele origin: germline.
Comment: Variant summary: PAH c.619A>G (p.Asn207Asp) results in a conservative amino acid change in the encoded protein sequence. Algorithms developed to predict the effect of missense changes on protein structure and function are either unavailable or do not agree on the potential impact of this missense change. The variant was absent in 251330 control chromosomes. c.619A>G has been observed in the presumed compound heterozygous state in at least 3 individual(s) affected with Phenylalanine Hydroxylase Deficiency (Phenylketonuria) (example, Park_1998, Hillert_2020, Lee_2004). These data indicate that the variant may be associated with disease. At least one publication reports experimental evidence evaluating an impact on protein function. The most pronounced variant effect results in 10%-<30% of catalytic efficiency in vitro (example, Carvalho_2003). A different missense variant at the same codon (c.620A>G, p.Asn207Ser) has been determined to be likely pathogenic/pathogenic by our laboratory, supporting the critical relevance of codon 207 for PAH protein function (PMID: 32668217, 9048935, 17096675, 31332730). The following publications have been ascertained in the context of this evaluation (PMID: 9452061, 40687029, 24882081, 32668217, 12554741, 33491267, 15503242, 38061323). ClinVar contains an entry for this variant (Variation ID: 102764). Based on the evidence outlined above, the variant was classified as likely pathogenic.

DeBelle Laboratory for Biochemical Genetics, MUHC/MCH RESEARCH INSTITUTE
No classification provided. Review status: no classification provided. Collection method: not provided. Allele origin: not provided. Not counted in ClinVar's aggregate classification.

Literature cited by the submitters: PubMed 9452061 (cited by Women's Health and Genetics/Laboratory Corporation of America, LabCorp); PubMed 24882081 (cited by Women's Health and Genetics/Laboratory Corporation of America, LabCorp); PubMed 15503242 (cited by Women's Health and Genetics/Laboratory Corporation of America, LabCorp); PubMed 12554741 (cited by Women's Health and Genetics/Laboratory Corporation of America, LabCorp); PubMed 32668217 (cited by Women's Health and Genetics/Laboratory Corporation of America, LabCorp); PubMed 38061323 (cited by Women's Health and Genetics/Laboratory Corporation of America, LabCorp); PubMed 40687029 (cited by Women's Health and Genetics/Laboratory Corporation of America, LabCorp); PubMed 33491267 (cited by Women's Health and Genetics/Laboratory Corporation of America, LabCorp).

NM_000277.3(PAH):c.619A>G (p.Asn207Asp)

Gene: PAH (phenylalanine hydroxylase; minus strand). Cytogenetic location: 12q23.2.
Variant type: single nucleotide variant.
Coding change: c.619A>G on transcript NM_000277.3 (MANE Select); coding-DNA position 619, A replaced by G.
Protein change: p.Asn207Asp; replaces asparagine 207 with aspartic acid.
Molecular consequence: missense variant.
Genome position (GRCh38, 1-based): chr12:102,855,223, T>C on the plus strand (A>G on the coding strand, the complement: PAH is on the minus strand). VCF-style: chr12-102855223-T-C. GRCh37 (hg19) VCF-style: chr12-103249001-T-C.
Other names: c.619A>G, p.Asn207Asp (NM_001354304.2); short protein forms N207D.
Identifiers: ClinVar variation 102764 (VCV000102764.2), dbSNP rs62508572, ClinGen allele CA229664.